The following is an entry in ClinVar:

ClinVar aggregate classification (germline): Likely benign. Review status: criteria provided, single submitter (1 of 4 stars). 2 submissions from 2 submitters: Likely benign (1). 1 of the submissions does not count toward it. Last evaluated 2024-11-01.

Conditions:
NFIB-related disorder. Also called: NFIB-related condition.

Allele frequency attached by ClinVar (database versions not stated): 1000 Genomes Project 30x 0.00187; 1000 Genomes Project 0.00220.

Submissions (2):

Blueprint Genetics
Classification: Likely benign. Last evaluated: 2024-11-01. Review status: criteria provided, single submitter. Criteria: ACMG Guidelines, 2015. Collection method: clinical testing. Allele origin: germline.

PreventionGenetics, part of Exact Sciences
Classification: Benign for NFIB-related condition. Last evaluated: 2019-08-28. Review status: no assertion criteria provided. Collection method: clinical testing. Allele origin: germline. Not counted in ClinVar's aggregate classification.
Comment: This variant is classified as benign based on ACMG/AMP sequence variant interpretation guidelines (Richards et al. 2015 PMID: 25741868, with internal and published modifications).

NM_001190737.2(NFIB):c.196C>G (p.Pro66Ala)

Gene: NFIB (nuclear factor I B; minus strand). Cytogenetic location: 9p22.3.
Variant type: single nucleotide variant.
Coding change: c.196C>G on transcript NM_001190737.2 (MANE Select); coding-DNA position 196, C replaced by G.
Protein change: p.Pro66Ala; replaces proline 66 with alanine.
Molecular consequence: missense variant.
Genome position (GRCh38, 1-based): chr9:14,307,355, G>C on the plus strand (C>G on the coding strand, the complement: NFIB is on the minus strand). VCF-style: chr9-14307355-G-C. GRCh37 (hg19) VCF-style: chr9-14307354-G-C.
Other names: c.274C>G, p.Pro92Ala (NM_001190738.2); c.262C>G, p.Pro88Ala (NM_001369458.1, NM_001369459.1, NM_001369462.1 and 1 more transcripts); c.184C>G, p.Pro62Ala (NM_001369460.1, NM_001369463.1, NM_001369466.1 and 4 more transcripts); c.196C>G, p.Pro66Ala (NM_001369461.1, NM_001369464.1, NM_001369471.1 and 4 more transcripts); c.169C>G, p.Pro57Ala (NM_001369465.1, NM_001369467.1, NM_001369476.1); c.52C>G, p.Pro18Ala (NM_001369469.1); c.181C>G, p.Pro61Ala (NM_001369474.1); short protein forms P18A, P57A, P61A, P62A, P66A, P88A, P92A.
Identifiers: ClinVar variation 3053530 (VCV003053530.3), dbSNP rs140030018, ClinGen allele CA4988701.